The following is an entry in ClinVar:

ClinVar aggregate classification (germline): Uncertain significance (1 of 4 stars; one submission).

Allele frequency attached by ClinVar (database versions not stated): gnomAD exomes below 0.00001; ExAC 0.00001.
gnomAD v4.1: 7 of 1,612,152 alleles (0.00043%); highest among the groups gnomAD compares: Non-Finnish European, 0.00051%; no homozygotes.

Submission:

Labcorp Genetics (formerly Invitae), Labcorp
Classification: Uncertain significance. Last evaluated: 2024-12-09. Review status: criteria provided, single submitter. Criteria: Invitae Variant Classification Sherloc (09022015). Collection method: clinical testing. Allele origin: germline.
Comment: This sequence change replaces leucine, which is neutral and non-polar, with proline, which is neutral and non-polar, at codon 649 of the TONSL protein (p.Leu649Pro). This variant is present in population databases (rs758685574, gnomAD 0.002%). This variant has not been reported in the literature in individuals affected with TONSL-related conditions. ClinVar contains an entry for this variant (Variation ID: 1942973). Invitae Evidence Modeling of protein sequence and biophysical properties (such as structural, functional, and spatial information, amino acid conservation, physicochemical variation, residue mobility, and thermodynamic stability) indicates that this missense variant is expected to disrupt TONSL protein function with a positive predictive value of 80%. In summary, the available evidence is currently insufficient to determine the role of this variant in disease. Therefore, it has been classified as a Variant of Uncertain Significance.

NM_013432.5(TONSL):c.1946T>C (p.Leu649Pro)

Genes: TONSL (tonsoku like, DNA repair protein; minus strand), TONSL-AS1 (TONSL antisense RNA 1; plus strand). Cytogenetic location: 8q24.3.
Variant type: single nucleotide variant.
Coding change: c.1946T>C on transcript NM_013432.5 (MANE Select); coding-DNA position 1946, T replaced by C.
Protein change: p.Leu649Pro; replaces leucine 649 with proline.
Molecular consequence: missense variant.
Genome position (GRCh38, 1-based): chr8:144,436,626, A>G on the plus strand (T>C on the coding strand, the complement: TONSL is on the minus strand). VCF-style: chr8-144436626-A-G. GRCh37 (hg19) VCF-style: chr8-145662009-A-G.
Other names: short protein forms L649P.
Identifiers: ClinVar variation 1942973 (VCV001942973.5), dbSNP rs758685574, ClinGen allele CA4942987.